The following is an entry in ClinVar:

ClinVar aggregate classification (germline): Uncertain significance (1 of 4 stars; one submission).

Allele frequency attached by ClinVar (database versions not stated): TOPMed below 0.00001.

Submission:

Labcorp Genetics (formerly Invitae), Labcorp
Classification: Uncertain significance. Last evaluated: 2022-08-31. Review status: criteria provided, single submitter. Criteria: Invitae Variant Classification Sherloc (09022015). Collection method: clinical testing. Allele origin: germline.
Comment: This sequence change replaces glutamic acid, which is acidic and polar, with glutamine, which is neutral and polar, at codon 354 of the TSEN54 protein (p.Glu354Gln). This variant is not present in population databases (gnomAD no frequency). This variant has not been reported in the literature in individuals affected with TSEN54-related conditions. Algorithms developed to predict the effect of missense changes on protein structure and function are either unavailable or do not agree on the potential impact of this missense change (SIFT: "Deleterious"; PolyPhen-2: "Possibly Damaging"; Align-GVGD: "Class C0"). In summary, the available evidence is currently insufficient to determine the role of this variant in disease. Therefore, it has been classified as a Variant of Uncertain Significance.

NM_207346.3(TSEN54):c.1060G>C (p.Glu354Gln)

Gene: TSEN54 (tRNA splicing endonuclease subunit 54; plus strand). Cytogenetic location: 17q25.1.
Variant type: single nucleotide variant.
Coding change: c.1060G>C on transcript NM_207346.3 (MANE Select); coding-DNA position 1060, G replaced by C.
Protein change: p.Glu354Gln; replaces glutamic acid 354 with glutamine.
Molecular consequence: missense variant.
Genome position (GRCh38, 1-based): chr17:75,522,141, G>C. VCF-style: chr17-75522141-G-C. GRCh37 (hg19) VCF-style: chr17-73518222-G-C.
Other names: short protein forms E354Q.
Identifiers: ClinVar variation 1910637 (VCV001910637.2), dbSNP rs2053435339, ClinGen allele CA401029738.